The following is an entry in ClinVar:

NM_194318.4(B3GLCT):c.1207G>A (p.Val403Ile)

Gene: B3GLCT (beta 3-glucosyltransferase; plus strand). Cytogenetic location: 13q12.3.
Variant type: single nucleotide variant.
Coding change: c.1207G>A on transcript NM_194318.4 (MANE Select); coding-DNA position 1207, G replaced by A.
Protein change: p.Val403Ile; replaces valine 403 with isoleucine.
Molecular consequence: missense variant.
Genome position (GRCh38, 1-based): chr13:31,323,773, G>A. VCF-style: chr13-31323773-G-A. GRCh37 (hg19) VCF-style: chr13-31897910-G-A.
Other names: short protein forms V403I.
Identifiers: ClinVar variation 425025 (VCV000425025.62), dbSNP rs147485868, ClinGen allele CA6936862.

ClinVar aggregate classification (germline): Conflicting classifications of pathogenicity. Review status: criteria provided, conflicting classifications (1 of 4 stars). 6 submissions from 6 submitters: Uncertain significance (3); Likely benign (2). 1 of the submissions does not count toward it. Last evaluated 2026-01-15.

Conditions:
B3GLCT-related disorder. Also called: B3GLCT-related condition.
Peters plus syndrome. Also called: KRAUSE-KIVLIN SYNDROME. Identifiers: Orphanet 709, MedGen C0796012, MONDO:0009856, OMIM 261540.

Allele frequency attached by ClinVar (database versions not stated): 1000 Genomes Project 0.00020; 1000 Genomes Project 30x 0.00031; TOPMed 0.00107; ESP Exome Variant Server 0.00108; ExAC 0.00116; gnomAD exomes 0.00119; gnomAD 0.00122 and 0.00128.
gnomAD v4.1: 2,693 of 1,614,130 alleles (0.17%); highest among the groups gnomAD compares: Non-Finnish European, 0.21%; 4 homozygotes.

Submissions (6):

Labcorp Genetics (formerly Invitae), Labcorp
Classification: Likely benign for Peters plus syndrome. Last evaluated: 2026-01-15. Review status: criteria provided, single submitter. Criteria: Invitae Variant Classification Sherloc (09022015). Collection method: clinical testing. Allele origin: germline.

Blueprint Genetics
Classification: Likely benign. Last evaluated: 2024-11-21. Review status: criteria provided, single submitter. Criteria: ACMG Guidelines, 2015. Collection method: clinical testing. Allele origin: germline.

Illumina Laboratory Services, Illumina
Classification: Uncertain significance for Peters plus syndrome. Last evaluated: 2018-01-13. Review status: criteria provided, single submitter. Criteria: ICSL Variant Classification Criteria 13 December 2019. Collection method: clinical testing. Allele origin: germline.

CeGaT Center for Human Genetics Tuebingen
Classification: Uncertain significance. Last evaluated: 2016-10-01. Review status: criteria provided, single submitter. Criteria: CeGaT Center For Human Genetics Tuebingen Variant Classification Criteria Version 2. Collection method: clinical testing. Allele origin: germline. Affected: yes. Observed: 1 variant allele.

Mayo Clinic Laboratories, Mayo Clinic
Classification: Uncertain significance for Peters plus syndrome. Last evaluated: 2016-07-01. Review status: criteria provided, single submitter. Criteria: ACMG Guidelines, 2015. Collection method: clinical testing. Allele origin: paternal.

PreventionGenetics, part of Exact Sciences
Classification: Likely benign for B3GLCT-related condition. Last evaluated: 2022-10-27. Review status: no assertion criteria provided. Collection method: clinical testing. Allele origin: germline. Not counted in ClinVar's aggregate classification.
Comment: This variant is classified as likely benign based on ACMG/AMP sequence variant interpretation guidelines (Richards et al. 2015 PMID: 25741868, with internal and published modifications).